The following is an entry in ClinVar:

ClinVar aggregate classification (germline): Likely benign (0 of 4 stars; one submission).

Conditions:
PCNT-related disorder. Also called: PCNT-related condition.

gnomAD v4.1: 1 of 1,613,940 alleles (0.000062%); highest among the groups gnomAD compares: Non-Finnish European, 0.000085%; no homozygotes.

Submission:

PreventionGenetics, part of Exact Sciences
Classification: Likely benign for PCNT-related condition. Last evaluated: 2024-04-17. Review status: no assertion criteria provided. Collection method: clinical testing. Allele origin: germline.
Comment: This variant is classified as likely benign based on ACMG/AMP sequence variant interpretation guidelines (Richards et al. 2015 PMID: 25741868, with internal and published modifications).

NM_006031.6(PCNT):c.8103C>T (p.Ser2701=)

Gene: PCNT (pericentrin; plus strand). Cytogenetic location: 21q22.3.
Variant type: single nucleotide variant.
Coding change: c.8103C>T on transcript NM_006031.6 (MANE Select); coding-DNA position 8103, C replaced by T.
Protein change: p.Ser2701=; no amino-acid change (serine 2701 retained).
Molecular consequence: synonymous variant.
Genome position (GRCh38, 1-based): chr21:46,431,567, C>T. VCF-style: chr21-46431567-C-T. GRCh37 (hg19) VCF-style: chr21-47851481-C-T.
Other names: c.7749C>T, p.Ser2583= (NM_001315529.2).
Identifiers: ClinVar variation 3344077 (VCV003344077.1).